The following is an entry in ClinVar:

NM_014762.4(DHCR24):c.180C>T (p.Leu60=)

Gene: DHCR24 (24-dehydrocholesterol reductase; minus strand). Cytogenetic location: 1p32.3.
Variant type: single nucleotide variant.
Coding change: c.180C>T on transcript NM_014762.4 (MANE Select); coding-DNA position 180, C replaced by T.
Protein change: p.Leu60=; no amino-acid change (leucine 60 retained).
Molecular consequence: synonymous variant.
Genome position (GRCh38, 1-based): chr1:54,886,940, G>A on the plus strand (C>T on the coding strand, the complement: DHCR24 is on the minus strand). VCF-style: chr1-54886940-G-A. GRCh37 (hg19) VCF-style: chr1-55352613-G-A.
Identifiers: ClinVar variation 297664 (VCV000297664.17), dbSNP rs79857573, ClinGen allele CA870913.
Genomic context (GRCh38, chr1:54,886,940, plus strand): 5'-GCCGCTCACCTGCTTCTGGATGTCCCGCACGCGCTGCTCGTGCAGGCGCGGAGCGCTGCT[G>A]AGCTTGAACACCACCCAGGCGCGCACGTAGTAGTAGATATCGAAGATAAGCGAGAGCGGC-3'
Protein context (NP_055577.1, residues 50-70): YYVRAWVVFK[Leu60=]SSAPRLHEQR

ClinVar aggregate classification (germline): Benign/Likely benign. Review status: criteria provided, multiple submitters, no conflicts (2 of 4 stars). 5 submissions from 5 submitters: Benign (2); Likely benign (3). Last evaluated 2026-02-01.

Conditions:
Desmosterolosis. Identifiers: Orphanet 35107, MedGen C1865596, MONDO:0011217, OMIM 602398.

Allele frequency attached by ClinVar (database versions not stated): 1000 Genomes Project 0.00619; 1000 Genomes Project 30x 0.00671; TOPMed 0.01090; gnomAD 0.01213 and 0.01223; gnomAD exomes 0.01252; ExAC 0.01299; ESP Exome Variant Server 0.01499.
gnomAD v4.1: 28,167 of 1,613,608 alleles (1.7%); highest among the groups gnomAD compares: Non-Finnish European, 2.1%; 285 homozygotes.

Submissions (5):

Labcorp Genetics (formerly Invitae), Labcorp
Classification: Benign. Last evaluated: 2026-02-01. Review status: criteria provided, single submitter. Criteria: Invitae Variant Classification Sherloc (09022015). Collection method: clinical testing. Allele origin: germline.

Blueprint Genetics
Classification: Likely benign. Last evaluated: 2024-11-25. Review status: criteria provided, single submitter. Criteria: ACMG Guidelines, 2015. Collection method: clinical testing. Allele origin: germline.

GeneDx
Classification: Likely benign. Last evaluated: 2021-11-04. Review status: criteria provided, single submitter. Criteria: GeneDx Variant Classification Process June 2021. Collection method: clinical testing. Allele origin: germline. Affected: yes.

Illumina Laboratory Services, Illumina
Classification: Benign for Desmosterolosis. Last evaluated: 2018-01-13. Review status: criteria provided, single submitter. Criteria: ICSL Variant Classification Criteria 13 December 2019. Collection method: clinical testing. Allele origin: germline.
Comment: This variant was observed in the ICSL laboratory as part of a predisposition screen in an ostensibly healthy population. It had not been previously curated by ICSL or reported in the Human Gene Mutation Database (HGMD: prior to June 1st, 2018), and was therefore a candidate for classification through an automated scoring system. Utilizing variant allele frequency, disease prevalence and penetrance estimates, and inheritance mode, an automated score was calculated to assess if this variant is too frequent to cause the disease. Based on the score and internal cut-off values, a variant classified as benign is not then subjected to further curation. The score for this variant resulted in a classification of benign for this disease.

Breakthrough Genomics
Classification: Likely benign. Review status: criteria provided, single submitter. Criteria: ACMG Guidelines, 2015. Collection method: not provided. Allele origin: germline. Inheritance: Autosomal recessive inheritance. Affected: yes.